The following is an entry in ClinVar:

ClinVar aggregate classification (germline): Conflicting classifications of pathogenicity. Review status: criteria provided, conflicting classifications (1 of 4 stars). 9 submissions from 9 submitters: Uncertain significance (1); Benign (2); Likely benign (6). Last evaluated 2026-09-01.

Conditions:
Inborn genetic diseases. Identifiers: MedGen C0950123, MeSH D030342.
Developmental and epileptic encephalopathy, 11 (DEE11). Also called: Early infantile epileptic encephalopathy 11. Identifiers: Orphanet 1934, MedGen C3150987, MONDO:0013388, OMIM 613721.
Seizures, benign familial infantile, 3 (BFIS3). Also called: CONVULSIONS, BENIGN FAMILIAL INFANTILE, 3; Familial neonatal seizures. Identifiers: Orphanet 140927, Orphanet 306, MedGen C1843140, MONDO:0011904, OMIM 607745.

Allele frequency attached by ClinVar (database versions not stated): ESP Exome Variant Server 0.00015; gnomAD 0.00016 and 0.00036; TOPMed 0.00018; ExAC 0.00073; 1000 Genomes Project 30x 0.00078; 1000 Genomes Project 0.00080; gnomAD exomes 0.00084.
gnomAD v4.1: 952 of 1,613,220 alleles (0.059%); highest among the groups gnomAD compares: South Asian, 0.57%; 12 homozygotes.

Submissions (9):

CeGaT Center for Human Genetics Tuebingen
Classification: Likely benign. Last evaluated: 2026-09-01. Review status: criteria provided, single submitter. Criteria: CeGaT Center For Human Genetics Tuebingen Variant Classification Criteria Version 2. Collection method: clinical testing. Allele origin: germline. Affected: yes. Observed: 4 variant alleles.
Comment: SCN2A: PP2, PP3, BS1, BS2

Labcorp Genetics (formerly Invitae), Labcorp
Classification: Likely benign for Seizures, benign familial infantile, 3; Developmental and epileptic encephalopathy, 11. Last evaluated: 2026-01-11. Review status: criteria provided, single submitter. Criteria: Invitae Variant Classification Sherloc (09022015). Collection method: clinical testing. Allele origin: germline.

Blueprint Genetics
Classification: Likely benign. Last evaluated: 2024-05-13. Review status: criteria provided, single submitter. Criteria: ACMG Guidelines, 2015. Collection method: clinical testing. Allele origin: germline.

Mendelics
Classification: Benign for Seizures, benign familial infantile, 3. Last evaluated: 2023-08-22. Review status: criteria provided, single submitter. Criteria: Mendelics Assertion Criteria 2019. Collection method: clinical testing. Allele origin: germline.

GeneDx
Classification: Benign. Last evaluated: 2018-11-21. Review status: criteria provided, single submitter. Criteria: GeneDx Variant Classification Process June 2021. Collection method: clinical testing. Allele origin: germline. Affected: yes.
Comment: This variant is associated with the following publications: (PMID: 26645390, 25818041, 9154907)

Illumina Laboratory Services, Illumina
Classification: Likely benign for Seizures, benign familial infantile, 3. Last evaluated: 2017-04-27. Review status: criteria provided, single submitter. Criteria: ICSL Variant Classification Criteria 13 December 2019. Collection method: clinical testing. Allele origin: germline.
Comment: This variant was observed as part of a predisposition screen in an ostensibly healthy population. A literature search was performed for the gene, cDNA change, and amino acid change (where applicable). No publications were found based on this search. Allele frequency data from public databases allowed determination this variant is unlikely to cause disease. Therefore, this variant is classified as likely benign.

Ambry Genetics
Classification: Likely benign for Inborn genetic diseases. Last evaluated: 2016-11-18. Review status: criteria provided, single submitter. Criteria: Ambry Variant Classification Scheme 2023. Collection method: clinical testing. Allele origin: germline.

Genetic Services Laboratory, University of Chicago
Classification: Likely benign. Last evaluated: 2016-05-26. Review status: criteria provided, single submitter. Criteria: ACMG Guidelines, 2015. Collection method: clinical testing. Allele origin: germline. Affected: no.

Eurofins Ntd Llc (ga)
Classification: Uncertain significance. Last evaluated: 2014-10-29. Review status: criteria provided, single submitter. Criteria: EGL Classification Definitions 2015. Collection method: clinical testing. Allele origin: germline. Observed: 2 variant alleles, 2 heterozygotes.

Literature cited by the submitters: PubMed 25818041 (cited by Ambry Genetics); PubMed 26645390 (cited by Ambry Genetics); PubMed 27328862 (cited by Ambry Genetics).

NM_001040142.2(SCN2A):c.4565G>C (p.Gly1522Ala)

Gene: SCN2A (sodium voltage-gated channel alpha subunit 2; plus strand). Cytogenetic location: 2q24.3.
Variant type: single nucleotide variant.
Coding change: c.4565G>C on transcript NM_001040142.2 (MANE Select); coding-DNA position 4565, G replaced by C.
Protein change: p.Gly1522Ala; replaces glycine 1522 with alanine.
Molecular consequence: missense variant.
Genome position (GRCh38, 1-based): chr2:165,386,759, G>C. VCF-style: chr2-165386759-G-C. GRCh37 (hg19) VCF-style: chr2-166243269-G-C.
Other names: p.G1522A:GGA>GCA; c.4565G>C, p.Gly1522Ala (NM_001371247.1, NM_021007.3, NM_001040143.2 and 1 more transcripts); short protein forms G1522A.
Identifiers: ClinVar variation 130214 (VCV000130214.59), dbSNP rs147522594, ClinGen allele CA231489.